The following is an entry in ClinVar:

ClinVar aggregate classification (germline): Uncertain significance. Review status: criteria provided, multiple submitters, no conflicts (2 of 4 stars). 3 submissions from 3 submitters: Uncertain significance (3). Last evaluated 2025-10-06.

Conditions:
DENND5A-related disorder. Also called: DENND5A-related condition.
Inborn genetic diseases. Identifiers: MedGen C0950123, MeSH D030342.

Allele frequency attached by ClinVar (database versions not stated): gnomAD exomes 0.00002; ExAC 0.00005; 1000 Genomes Project 30x 0.00016; 1000 Genomes Project 0.00020; ESP Exome Variant Server 0.00023; gnomAD 0.00029; TOPMed 0.00031.
gnomAD v4.1: 79 of 1,614,098 alleles (0.0049%); highest among the groups gnomAD compares: African/African-American, 0.088%; no homozygotes.

Submissions (3):

PreventionGenetics, part of Exact Sciences
Classification: Uncertain significance for DENND5A-related condition. Last evaluated: 2025-10-06. Review status: criteria provided, single submitter. Criteria: ACMG Guidelines, 2015. Collection method: clinical testing. Allele origin: germline.
Comment: The DENND5A c.404T>G variant is predicted to result in the amino acid substitution p.Leu135Arg. To our knowledge, this variant has not been reported in the literature. This variant is reported in 0.068% of alleles in individuals of African descent in gnomAD. Although we suspect that this variant may be benign, at this time, the clinical significance of this variant is uncertain due to the absence of conclusive functional and genetic evidence.

Ambry Genetics
Classification: Uncertain significance for Inborn genetic diseases. Last evaluated: 2024-05-30. Review status: criteria provided, single submitter. Criteria: Ambry Variant Classification Scheme 2023. Collection method: clinical testing. Allele origin: germline.

Labcorp Genetics (formerly Invitae), Labcorp
Classification: Uncertain significance. Last evaluated: 2022-06-14. Review status: criteria provided, single submitter. Criteria: Invitae Variant Classification Sherloc (09022015). Collection method: clinical testing. Allele origin: germline.
Comment: This sequence change replaces leucine, which is neutral and non-polar, with arginine, which is basic and polar, at codon 135 of the DENND5A protein (p.Leu135Arg). This variant is present in population databases (rs142461946, gnomAD 0.07%). This variant has not been reported in the literature in individuals affected with DENND5A-related conditions. Algorithms developed to predict the effect of missense changes on protein structure and function (SIFT, PolyPhen-2, Align-GVGD) all suggest that this variant is likely to be disruptive. In summary, the available evidence is currently insufficient to determine the role of this variant in disease. Therefore, it has been classified as a Variant of Uncertain Significance.

NM_015213.4(DENND5A):c.404T>G (p.Leu135Arg)

Gene: DENND5A (DENN domain containing 5A; minus strand). Cytogenetic location: 11p15.4.
Variant type: single nucleotide variant.
Coding change: c.404T>G on transcript NM_015213.4 (MANE Select); coding-DNA position 404, T replaced by G.
Protein change: p.Leu135Arg; replaces leucine 135 with arginine.
Molecular consequence: missense variant. On other transcripts: non-coding transcript variant (1).
Genome position (GRCh38, 1-based): chr11:9,204,205, A>C on the plus strand (T>G on the coding strand, the complement: DENND5A is on the minus strand). VCF-style: chr11-9204205-A-C. GRCh37 (hg19) VCF-style: chr11-9225752-A-C.
Other names: c.404T>G, p.Leu135Arg (NM_001243254.2, NM_001348748.1); c.332T>G, p.Leu111Arg (NM_001348749.2); c.116T>G, p.Leu39Arg (NM_001348750.2); c.404T>G (NM_015213.3); short protein forms L135R, L39R, L111R.
Identifiers: ClinVar variation 2162133 (VCV002162133.3), dbSNP rs142461946, ClinGen allele CA5877821.